The following is an entry in ClinVar:

NM_198525.3(KIF7):c.3839C>T (p.Ser1280Leu)

Gene: KIF7 (kinesin family member 7; minus strand). Cytogenetic location: 15q26.1.
Variant type: single nucleotide variant.
Coding change: c.3839C>T on transcript NM_198525.3 (MANE Select); coding-DNA position 3839, C replaced by T.
Protein change: p.Ser1280Leu; replaces serine 1280 with leucine.
Molecular consequence: missense variant.
Genome position (GRCh38, 1-based): chr15:89,628,612, G>A on the plus strand (C>T on the coding strand, the complement: KIF7 is on the minus strand). VCF-style: chr15-89628612-G-A. GRCh37 (hg19) VCF-style: chr15-90171843-G-A.
Other names: short protein forms S1280L.
Identifiers: ClinVar variation 1405227 (VCV001405227.7), dbSNP rs775526351, ClinGen allele CA7727510.
Genomic context (GRCh38, chr15:89,628,612, plus strand): 5'-TCAGCCGCCTCCCGCTGCCTCAGTTCCTCGGGGGACCCCTGCTCCTCACCACACAGGCTC[G>A]AGCGTTTCCAGGTCAAGGGTAACGGAGCGTGGACCAAGTCCCGCGTCTCCTCCCGGGTGC-3'
Protein context (NP_940927.2, residues 1270-1290): HAPLPLTWKR[Ser1280Leu]SLCGEEQGSP

ClinVar aggregate classification (germline): Uncertain significance. Review status: criteria provided, multiple submitters, no conflicts (2 of 4 stars). 2 submissions from 2 submitters: Uncertain significance (2). Last evaluated 2023-10-20.

Conditions:
Acrocallosal syndrome (ACLS). Also called: Schinzel syndrome 1; Absence of corpus callosum with unusual facial appearance, mental deficiency, duplication of the halluces and polydactyly; HALLUX DUPLICATION, POSTAXIAL POLYDACTYLY, AND ABSENCE OF CORPUS CALLOSUM. Identifiers: Orphanet 36, MedGen C0796147, MONDO:0008708, OMIM 200990.

Allele frequency attached by ClinVar (database versions not stated): gnomAD 0.00001; TOPMed 0.00002; gnomAD exomes 0.00003; ExAC 0.00004.
gnomAD v4.1: 27 of 1,613,248 alleles (0.0017%); highest among the groups gnomAD compares: South Asian, 0.0088%; no homozygotes.

Submissions (2):

Blueprint Genetics
Classification: Uncertain significance. Last evaluated: 2023-10-20. Review status: criteria provided, single submitter. Criteria: ACMG Guidelines, 2015. Collection method: clinical testing. Allele origin: germline.

Labcorp Genetics (formerly Invitae), Labcorp
Classification: Uncertain significance for Acrocallosal syndrome. Last evaluated: 2023-07-17. Review status: criteria provided, single submitter. Criteria: Invitae Variant Classification Sherloc (09022015). Collection method: clinical testing. Allele origin: germline.
Comment: This sequence change replaces serine, which is neutral and polar, with leucine, which is neutral and non-polar, at codon 1280 of the KIF7 protein (p.Ser1280Leu). This variant is present in population databases (rs775526351, gnomAD 0.01%). This variant has not been reported in the literature in individuals affected with KIF7-related conditions. ClinVar contains an entry for this variant (Variation ID: 1405227). An algorithm developed to predict the effect of missense changes on protein structure and function (PolyPhen-2) suggests that this variant is likely to be disruptive. In summary, the available evidence is currently insufficient to determine the role of this variant in disease. Therefore, it has been classified as a Variant of Uncertain Significance.